The following is an entry in ClinVar:

ClinVar aggregate classification (germline): Pathogenic (1 of 4 stars; one submission).

Conditions:
Hypophosphatasia. Also called: Phosphoethanol-aminuria. Identifiers: Orphanet 436, MedGen C0020630, MeSH D007014, MONDO:0018570.

Submission:

Genomenon, Inc
Classification: Pathogenic for Hypophosphatasia. Last evaluated: 2025-08-29. Review status: criteria provided, single submitter. Criteria: Genomenon Sequence Variant Interpretation Standards. Collection method: curation. Allele origin: germline. Affected: yes.
Comment: ALPL p.Gly112ProfsTer9 (c.332_335del) is a frameshift variant that results in the production of a truncated protein which is predicted to undergo nonsense-mediated mRNA decay. This variant has been observed in at least one proband affected with hypophosphatasia (PMID:27998428;18925618). It is absent or not present at a significant frequency in gnomAD. In conclusion, we classify ALPL p.Gly112ProfsTer9 (c.332_335del) as a pathogenic variant.

Literature cited by the submitters: PubMed 27998428; PubMed 18925618.

NM_000478.6(ALPL):c.333_336del (p.Gly112fs)

Gene: ALPL (alkaline phosphatase, biomineralization associated; plus strand). Cytogenetic location: 1p36.12.
Variant type: Deletion.
Coding change: c.333_336del on transcript NM_000478.6 (MANE Select); coding-DNA positions 333 to 336, 4 bases deleted (CGGC; older notation c.333_336delCGGC).
Protein change: p.Gly112fs; shifts the reading frame from glycine 112.
Molecular consequence: frameshift variant.
Genome position (GRCh38, 1-based): chr1:21,563,145-21,563,148, CGGC deleted; deleting any 4 consecutive bases within chr1:21,563,143-21,563,148 gives the same sequence; the c. name uses the placement nearest the transcript's 3' end. VCF-style (leftmost placement, unchanged base first): chr1-21563142-TGCCG-T. GRCh37 (hg19) VCF-style: chr1-21889635-TGCCG-T.
Other names: c.168_171del, p.Gly57fs (NM_001127501.4); c.102_105del, p.Gly35fs (NM_001177520.3); c.333_336del, p.Gly112fs (NM_001369803.2, NM_001369804.2, NM_001369805.2); c.332_335del (NM_000478.6); short protein forms G112fs, G35fs, G57fs.
Identifiers: ClinVar variation 4086797 (VCV004086797.1).